The following is an entry in ClinVar:

ClinVar aggregate classification (germline): Uncertain significance (1 of 4 stars; one submission).

Conditions:
C3 glomerulonephritis. Also called: C3 GLOMERULOPATHY 3; Nephropathy due to CFHR5 Deficiency. Identifiers: Orphanet 329931, MedGen C4055342, MONDO:0013892, OMIM 614809.

Submission:

Neuberg Centre For Genomic Medicine, NCGM
Classification: Uncertain significance for C3 glomerulonephritis. Last evaluated: 2023-07-22. Review status: criteria provided, single submitter. Criteria: ACMG Guidelines, 2015. Collection method: clinical testing. Allele origin: germline. Inheritance: Autosomal dominant inheritance. Affected: yes.
Comment: The missense variant c.648T>G p.Asn216Lys in the CFHR5 gene has not been reported previously as a pathogenic variant nor as a benign variant, to our knowledge. This variant is absent in the gnomAD Exomes. The amino acid Asn at position 216 is changed to a Lys changing protein sequence and it might alter its composition and physico-chemical properties. Multiple lines of computational evidence Polyphen - Damaging, SIFT - Damaging and MutationTaster - Disease causing predict a damaging effect on protein structure and function for this variant. The amino acid change p.Asn216Lys in CFHR5 is predicted as conserved by GERP++ and PhyloP across 100 vertebrates. For these reasons, this variant has been classified as Uncertain Significance.

NM_030787.4(CFHR5):c.648T>G (p.Asn216Lys)

Gene: CFHR5 (complement factor H related 5; plus strand). Cytogenetic location: 1q31.3.
Variant type: single nucleotide variant.
Coding change: c.648T>G on transcript NM_030787.4 (MANE Select); coding-DNA position 648, T replaced by G.
Protein change: p.Asn216Lys; replaces asparagine 216 with lysine.
Molecular consequence: missense variant.
Genome position (GRCh38, 1-based): chr1:196,995,757, T>G. VCF-style: chr1-196995757-T-G. GRCh37 (hg19) VCF-style: chr1-196964887-T-G.
Other names: short protein forms N216K.
Identifiers: ClinVar variation 3393433 (VCV003393433.1).